The following is an entry in ClinVar:

NM_000256.3(MYBPC3):c.2100_2108del (p.Asp700_Pro702del)

Gene: MYBPC3 (myosin binding protein C3; minus strand). Cytogenetic location: 11p11.2.
Variant type: Deletion.
Coding change: c.2100_2108del on transcript NM_000256.3 (MANE Select); coding-DNA positions 2100 to 2108, 9 bases deleted (TGCCCCAGA; older notation c.2100_2108delTGCCCCAGA).
Protein change: p.Asp700_Pro702del.
Molecular consequence: inframe deletion.
Genome position (GRCh38, 1-based): chr11:47,339,364-47,339,372, TCTGGGGCA deleted on the plus strand (TGCCCCAGA on the coding strand, the reverse complement: MYBPC3 is on the minus strand); deleting any 9 consecutive bases within chr11:47,339,364-47,339,380 gives the same sequence; the c. name uses the placement nearest the transcript's 3' end. VCF-style (leftmost placement, unchanged base first): chr11-47339363-CTCTGGGGCA-C. GRCh37 (hg19) VCF-style: chr11-47360914-CTCTGGGGCA-C.
Identifiers: ClinVar variation 1491678 (VCV001491678.6), dbSNP rs2142857305, ClinGen allele CA2573147063.

ClinVar aggregate classification (germline): Uncertain significance (1 of 4 stars; one submission).

Conditions:
Hypertrophic cardiomyopathy. Also called: HYPERTROPHIC MYOCARDIOPATHY. Identifiers: Orphanet 217569, MedGen C0007194, MeSH D002312, MONDO:0005045, HP:0001639.

Submission:

Labcorp Genetics (formerly Invitae), Labcorp
Classification: Uncertain significance for Hypertrophic cardiomyopathy. Last evaluated: 2023-09-20. Review status: criteria provided, single submitter. Criteria: Invitae Variant Classification Sherloc (09022015). Collection method: clinical testing. Allele origin: germline.
Comment: In summary, the available evidence is currently insufficient to determine the role of this variant in disease. Therefore, it has been classified as a Variant of Uncertain Significance. Experimental studies and prediction algorithms are not available or were not evaluated, and the functional significance of this variant is currently unknown. ClinVar contains an entry for this variant (Variation ID: 1491678). This variant has not been reported in the literature in individuals affected with MYBPC3-related conditions. This variant is not present in population databases (gnomAD no frequency). This variant, c.2100_2108del, results in the deletion of 3 amino acid(s) of the MYBPC3 protein (p.Asp700_Pro702del), but otherwise preserves the integrity of the reading frame.